The following is an entry in ClinVar:

NM_000451.4(SHOX):c.414G>C (p.Glu138Asp)

Genes: SHOX (SHOX homeobox; plus strand), LOC107652445 (meiotic recombination hotspot SHOX; plus strand). Cytogenetic location: Xp22.33.
Variant type: single nucleotide variant.
Coding change: c.414G>C on transcript NM_000451.4 (MANE Select); coding-DNA position 414, G replaced by C.
Protein change: p.Glu138Asp; replaces glutamic acid 138 with aspartic acid.
Molecular consequence: missense variant.
Genome position (GRCh38, 1-based): chrX:634,754, G>C. VCF-style: chrX-634754-G-C. GRCh37 (hg19) VCF-style: chrX-595489-G-C.
Other names: c.414G>C, p.Glu138Asp (NM_006883.2); c.414G>C (NM_000451.3); short protein forms E138D.
Identifiers: ClinVar variation 1685114 (VCV001685114.2), dbSNP rs750602920, ClinGen allele CA10329970.

ClinVar aggregate classification (germline): Uncertain significance. Review status: criteria provided, multiple submitters, no conflicts (2 of 4 stars). 2 submissions from 2 submitters: Uncertain significance (2). Last evaluated 2023-04-13.

Allele frequency attached by ClinVar (database versions not stated): ExAC 0.00001; gnomAD 0.00001; gnomAD exomes 0.00001.
gnomAD v4.1: 11 of 1,611,354 alleles (0.00068%); highest among the groups gnomAD compares: Non-Finnish European, 0.00093%; no homozygotes.

Submissions (2):

Women's Health and Genetics/Laboratory Corporation of America, LabCorp
Classification: Uncertain significance. Last evaluated: 2023-04-13. Review status: criteria provided, single submitter. Criteria: LabCorp Variant Classification Summary - May 2015. Collection method: clinical testing. Allele origin: germline.
Comment: Variant summary: SHOX c.414G>C (p.Glu138Asp) results in a conservative amino acid change located in the Homeobox domain (IPR001356) of the encoded protein sequence. Three of five in-silico tools predict a damaging effect of the variant on protein function. The variant allele was found at a frequency of 1.2e-05 in 242094 control chromosomes including one male (gnomAD). The available data on variant occurrences in the general population are insufficient to allow any conclusion about variant significance. c.414G>C has been reported in the literature in individuals with a diagnosis or phenotpe for Leri-Weill Dyschondrosteosis (example: Bunyan_2012 and Auger_2016). These report(s) do not provide unequivocal conclusions about association of the variant with Leri-Weill Dyschondrosteosis. To our knowledge, no experimental evidence demonstrating an impact on protein function has been reported. One clinical diagnostic laboratory has submitted clinical-significance assessments for this variant to ClinVar after 2014 and classified the variant as uncertain significance. Based on the evidence outlined above, the variant was classified as uncertain significance.

Mendelics
Classification: Uncertain significance. Last evaluated: 2022-05-04. Review status: criteria provided, single submitter. Criteria: Mendelics Assertion Criteria 2019. Collection method: clinical testing. Allele origin: germline.

Literature cited by the submitters: PubMed 23636926 (cited by Women's Health and Genetics/Laboratory Corporation of America, LabCorp); PubMed 27676402 (cited by Women's Health and Genetics/Laboratory Corporation of America, LabCorp).